The following is an entry in ClinVar:

ClinVar aggregate classification (germline): Likely pathogenic (1 of 4 stars; one submission).

gnomAD v4.1: 2 of 1,599,344 alleles (0.00013%); highest among the groups gnomAD compares: Admixed American, 0.0017%; no homozygotes.

Submission:

Labcorp Genetics (formerly Invitae), Labcorp
Classification: Likely pathogenic. Last evaluated: 2026-01-07. Review status: criteria provided, single submitter. Criteria: Invitae Variant Classification Sherloc (09022015). Collection method: clinical testing. Allele origin: germline.
Comment: This sequence change affects an acceptor splice site in intron 12 of the WDR62 gene. It is expected to disrupt RNA splicing. Variants that disrupt the donor or acceptor splice site typically lead to a loss of protein function (PMID: 16199547), and loss-of-function variants in WDR62 are known to be pathogenic (PMID: 20729831). The frequency data for this variant in the population databases is considered unreliable, as metrics indicate poor data quality at this position in the gnomAD database. This variant has not been reported in the literature in individuals affected with WDR62-related conditions. Algorithms developed to predict the effect of sequence changes on RNA splicing suggest that this variant may disrupt the consensus splice site. In summary, the currently available evidence indicates that the variant is pathogenic, but additional data are needed to prove that conclusively. Therefore, this variant has been classified as Likely Pathogenic.

Literature cited by the submitters: PubMed 16199547; PubMed 20729831.

NM_001083961.2(WDR62):c.1643-1G>A

Gene: WDR62 (WD repeat domain 62; plus strand). Cytogenetic location: 19q13.12.
Variant type: single nucleotide variant.
Coding change: c.1643-1G>A on transcript NM_001083961.2 (MANE Select); the canonical splice acceptor site of the intron before coding-DNA position 1643, G replaced by A.
Molecular consequence: splice acceptor variant.
Genome position (GRCh38, 1-based): chr19:36,086,686, G>A. VCF-style: chr19-36086686-G-A. GRCh37 (hg19) VCF-style: chr19-36577588-G-A.
Other names: c.1643-1G>A (NM_173636.5, NM_001411146.1); c.1628-1G>A (NM_001411145.1); c.1292-1G>A (NM_001411147.1).
Identifiers: ClinVar variation 4731238 (VCV004731238.1).